The following is an entry in ClinVar:

NM_005902.4(SMAD3):c.207-26846A>C

Gene: SMAD3 (SMAD family member 3; plus strand). Cytogenetic location: 15q22.33.
Variant type: single nucleotide variant.
Coding change: c.207-26846A>C on transcript NM_005902.4 (MANE Select); 26846 bases into the intron before coding-DNA position 207, A replaced by C.
Molecular consequence: intron variant. On other transcripts: missense variant (1), 5 prime UTR variant (1).
Genome position (GRCh38, 1-based): chr15:67,138,049, A>C. VCF-style: chr15-67138049-A-C. GRCh37 (hg19) VCF-style: chr15-67430387-A-C.
Other names: c.23A>C, p.Gln8Pro (NM_001145103.2); c.-583A>C (NM_001407016.1); c.207-26846A>C (NM_001407011.1, NM_001407013.1, NM_001407012.1); c.60-26846A>C (NM_001407014.1); c.-110+12065A>C (NM_001145102.2, NM_001407015.1); short protein forms Q8P.
Identifiers: ClinVar variation 2632805 (VCV002632805.1), dbSNP rs1263592351, ClinGen allele CA393204730.
Genomic context (GRCh38, chr15:67,138,049, plus strand): 5'-CCTCCCTCCCGTCCCTGTGACCTCCCAACTTCACAAACATGTCTTGCCTGCACCCTAGGC[A>C]AACGTGGAAAGGCGCAGCTCTGGTACACCGGAAAGCATGGTGGATGGGGAGGTAGGAGCC-3'

ClinVar aggregate classification (germline): Uncertain significance (1 of 4 stars; one submission).

Conditions:
SMAD3-related disorder. Also called: SMAD3-related condition.

Allele frequency attached by ClinVar (database versions not stated): gnomAD 0.00001.
gnomAD v4.1: 1 of 1,551,340 alleles (0.000064%); highest among the groups gnomAD compares: East Asian, 0.0024%; no homozygotes.

Submission:

PreventionGenetics, part of Exact Sciences
Classification: Uncertain significance for SMAD3-related condition. Last evaluated: 2023-05-11. Review status: criteria provided, single submitter. Criteria: ACMG Guidelines, 2015. Collection method: clinical testing. Allele origin: germline.
Comment: The SMAD3 c.23A>C variant is predicted to result in the amino acid substitution p.Gln8Pro. To our knowledge, this variant has not been reported in the literature or in a large population database, indicating this variant is rare. At this time, the clinical significance of this variant is uncertain due to the absence of conclusive functional and genetic evidence.